The following is an entry in ClinVar:

NM_212482.4(FN1):c.7183G>A (p.Val2395Ile)

Genes: ATIC (5-aminoimidazole-4-carboxamide ribonucleotide formyltransferase/IMP cyclohydrolase; plus strand), FN1 (fibronectin 1; minus strand). Cytogenetic location: 2q35.
Variant type: single nucleotide variant.
Coding change: c.7183G>A on transcript NM_212482.4 (MANE Select); coding-DNA position 7183, G replaced by A.
Protein change: p.Val2395Ile; replaces valine 2395 with isoleucine.
Molecular consequence: missense variant.
Genome position (GRCh38, 1-based): chr2:215,364,947, C>T on the plus strand (G>A on the coding strand, the complement: FN1 is on the minus strand). VCF-style: chr2-215364947-C-T. GRCh37 (hg19) VCF-style: chr2-216229670-C-T.
Other names: c.7090G>A, p.Val2364Ile (NM_001306129.2); c.6553G>A, p.Val2185Ile (NM_001306130.2); c.6547G>A, p.Val2183Ile (NM_001306131.2); c.6472G>A, p.Val2158Ile (NM_001306132.2); c.6913G>A, p.Val2305Ile (NM_001365517.2); c.6910G>A, p.Val2304Ile (NM_001365518.2); c.6838G>A, p.Val2280Ile (NM_001365519.2); c.6835G>A, p.Val2279Ile (NM_001365520.2); and 8 more; short protein forms V2214I, V2279I, V2185I, V2248I, V2249I, V2304I, V2305I, V2395I.
Identifiers: ClinVar variation 2382847 (VCV002382847.6), dbSNP rs561274088, ClinGen allele CA2093623.
Genomic context (GRCh38, chr2:215,364,947, plus strand): 5'-CTCCAAAGCATGTGCAGGAGCAAATGGCACCGAGATATTCCTTCTGCCACTGTTCTCCTA[C>T]GTGGTATGTCTTCCCATCATCATAACACGTTGCCTCATCTGCATATAGACACAAGACAGA-3'
Protein context (NP_997647.2, residues 2385-2405): TCYDDGKTYH[Val2395Ile]GEQWQKEYLG

ClinVar aggregate classification (germline): Uncertain significance. Review status: criteria provided, multiple submitters, no conflicts (2 of 4 stars). 3 submissions from 3 submitters: Uncertain significance (3). Last evaluated 2024-04-12.

Conditions:
Spondylometaphyseal dysplasia - Sutcliffe type. Also called: Sutcliffe type of spondylometaphyseal dysplasia; Sutcliffe SMD; Spondylometaphyseal Dysplasia, Corner Fracture Type; Spondylometaphyseal dysplasia, 'corner fracture' type. Identifiers: Orphanet 93315, MedGen C0432221, MONDO:0008479, OMIM 184255.
Glomerulopathy with fibronectin deposits 2 (GFND2). Identifiers: Orphanet 84090, MedGen C1866075, MONDO:0011165, OMIM 601894.
Inborn genetic diseases. Identifiers: MedGen C0950123, MeSH D030342.

Allele frequency attached by ClinVar (database versions not stated): gnomAD exomes 0.00001; gnomAD 0.00002; TOPMed 0.00002; ExAC 0.00003; 1000 Genomes Project 30x 0.00016; 1000 Genomes Project 0.00020.

Submissions (3):

Fulgent Genetics
Classification: Uncertain significance for Spondylometaphyseal dysplasia - Sutcliffe type; Glomerulopathy with fibronectin deposits 2. Last evaluated: 2024-04-12. Review status: criteria provided, single submitter. Criteria: ACMG Guidelines, 2015. Collection method: clinical testing. Allele origin: germline.

Labcorp Genetics (formerly Invitae), Labcorp
Classification: Uncertain significance. Last evaluated: 2023-05-20. Review status: criteria provided, single submitter. Criteria: Invitae Variant Classification Sherloc (09022015). Collection method: clinical testing. Allele origin: germline.
Comment: The frequency data for this variant in the population databases is considered unreliable, as metrics indicate poor data quality at this position in the gnomAD database. In summary, the available evidence is currently insufficient to determine the role of this variant in disease. Therefore, it has been classified as a Variant of Uncertain Significance. An algorithm developed to predict the effect of missense changes on protein structure and function (PolyPhen-2) suggests that this variant is likely to be disruptive. ClinVar contains an entry for this variant (Variation ID: 2382847). This variant has not been reported in the literature in individuals affected with FN1-related conditions. This sequence change replaces valine, which is neutral and non-polar, with isoleucine, which is neutral and non-polar, at codon 2395 of the FN1 protein (p.Val2395Ile).

Ambry Genetics
Classification: Uncertain significance for Inborn genetic diseases. Last evaluated: 2021-09-16. Review status: criteria provided, single submitter. Criteria: Ambry Variant Classification Scheme 2023. Collection method: clinical testing. Allele origin: germline.